The following is an entry in ClinVar:

NM_000138.5(FBN1):c.668T>C (p.Met223Thr)

Gene: FBN1 (fibrillin 1; minus strand). Cytogenetic location: 15q21.1.
Variant type: single nucleotide variant.
Coding change: c.668T>C on transcript NM_000138.5 (MANE Select); coding-DNA position 668, T replaced by C.
Protein change: p.Met223Thr; replaces methionine 223 with threonine.
Molecular consequence: missense variant.
Genome position (GRCh38, 1-based): chr15:48,537,679, A>G on the plus strand (T>C on the coding strand, the complement: FBN1 is on the minus strand). VCF-style: chr15-48537679-A-G. GRCh37 (hg19) VCF-style: chr15-48829876-A-G.
Other names: c.668T>C, p.Met223Thr (NM_001406716.1, NM_001406717.1); short protein forms M223T.
Identifiers: ClinVar variation 5020274 (VCV005020274.1).

ClinVar aggregate classification (germline): Uncertain significance (1 of 4 stars; one submission).

gnomAD v4.1: 1 of 1,614,208 alleles (0.000062%); no homozygotes.

Submission:

Dasa
Classification: Uncertain significance. Last evaluated: 2026-07-02. Review status: criteria provided, single submitter. Criteria: DASA Assertion Criteria. Collection method: clinical testing. Allele origin: germline.
Comment: NM_000138.5(FBN1):c.668T>C (p.Met223Thr) is a missense variant that results in the substitution of methionine with threonine. This variant is rare in population databases. Computational prediction algorithms are consistent with a deleterious effect. The currently available literature and clinical evidence are not sufficient to establish a definitive association between this variant and the reported condition. Therefore, this variant is classified as a variant of uncertain significance.